The following is an entry in ClinVar:

NM_000142.5(FGFR3):c.2356G>A (p.Asp786Asn)

Gene: FGFR3 (fibroblast growth factor receptor 3; plus strand). Cytogenetic location: 4p16.3.
Variant type: single nucleotide variant.
Coding change: c.2356G>A on transcript NM_000142.5 (MANE Select); coding-DNA position 2356, G replaced by A.
Protein change: p.Asp786Asn; replaces aspartic acid 786 with asparagine.
Molecular consequence: missense variant. On other transcripts: non-coding transcript variant (1).
Genome position (GRCh38, 1-based): chr4:1,807,197, G>A. VCF-style: chr4-1807197-G-A. GRCh37 (hg19) VCF-style: chr4-1808924-G-A.
Other names: c.2356G>A (NM_000142.4); c.2362G>A, p.Asp788Asn (NM_001163213.2); c.2359G>A, p.Asp787Asn (NM_001354809.2); c.2288G>A, p.Arg763Gln (NM_001354810.2); c.2020G>A, p.Asp674Asn (NM_022965.4); short protein forms D674N, D786N, D787N, D788N, R763Q.
Identifiers: ClinVar variation 1680144 (VCV001680144.9), dbSNP rs548817695, ClinGen allele CA2810853.

ClinVar aggregate classification (germline): Uncertain significance. Review status: criteria provided, multiple submitters, no conflicts (2 of 4 stars). 2 submissions from 2 submitters: Uncertain significance (2). Last evaluated 2024-03-05.

Allele frequency attached by ClinVar (database versions not stated): 1000 Genomes Project 30x 0.00031; gnomAD 0.00003 and 0.00002; TOPMed 0.00002; 1000 Genomes Project 0.00040.
gnomAD v4.1: 24 of 1,607,984 alleles (0.0015%); highest among the groups gnomAD compares: Admixed American, 0.0067%; no homozygotes.

Submissions (2):

GeneDx
Classification: Uncertain significance. Last evaluated: 2024-03-05. Review status: criteria provided, single submitter. Criteria: GeneDx Variant Classification Process June 2021. Collection method: clinical testing. Allele origin: germline. Affected: yes.
Comment: In silico analysis supports that this missense variant has a deleterious effect on protein structure/function; Has not been previously published as pathogenic or benign to our knowledge; This variant is associated with the following publications: (PMID: 27311873, 37666053)

Labcorp Genetics (formerly Invitae), Labcorp
Classification: Uncertain significance. Last evaluated: 2023-05-10. Review status: criteria provided, single submitter. Criteria: Invitae Variant Classification Sherloc (09022015). Collection method: clinical testing. Allele origin: germline.
Comment: ClinVar contains an entry for this variant (Variation ID: 1680144). In summary, the available evidence is currently insufficient to determine the role of this variant in disease. Therefore, it has been classified as a Variant of Uncertain Significance. Advanced modeling of protein sequence and biophysical properties (such as structural, functional, and spatial information, amino acid conservation, physicochemical variation, residue mobility, and thermodynamic stability) has been performed at Invitae for this missense variant, however the output from this modeling did not meet the statistical confidence thresholds required to predict the impact of this variant on FGFR3 protein function. This variant has not been reported in the literature in individuals affected with FGFR3-related conditions. This variant is present in population databases (rs548817695, gnomAD 0.003%). This sequence change replaces aspartic acid, which is acidic and polar, with asparagine, which is neutral and polar, at codon 786 of the FGFR3 protein (p.Asp786Asn).